The following is an entry in ClinVar:

ClinVar aggregate classification (germline): Uncertain significance. Review status: criteria provided, multiple submitters, no conflicts (2 of 4 stars). 2 submissions from 2 submitters: Uncertain significance (2). Last evaluated 2023-10-19.

Conditions:
Cardiovascular phenotype. Identifiers: MedGen CN230736.
Long QT syndrome (LQTS). Identifiers: MedGen C0023976, MeSH D008133, MONDO:0002442. Disease mechanism: loss of function. Inheritance: Various modes of inheritance.

Submissions (2):

Ambry Genetics
Classification: Uncertain significance for Cardiovascular phenotype. Last evaluated: 2023-10-19. Review status: criteria provided, single submitter. Criteria: Ambry Variant Classification Scheme 2023. Collection method: clinical testing. Allele origin: germline.
Comment: The p.K812I variant (also known as c.2435A>T), located in coding exon 8 of the AKAP9 gene, results from an A to T substitution at nucleotide position 2435. The lysine at codon 812 is replaced by isoleucine, an amino acid with dissimilar properties. This amino acid position is conserved. In addition, this alteration is predicted to be tolerated by in silico analysis. Since supporting evidence is limited at this time, the clinical significance of this alteration remains unclear.

Labcorp Genetics (formerly Invitae), Labcorp
Classification: Uncertain significance for Long QT syndrome. Last evaluated: 2022-03-25. Review status: criteria provided, single submitter. Criteria: Invitae Variant Classification Sherloc (09022015). Collection method: clinical testing. Allele origin: germline.
Comment: In summary, the available evidence is currently insufficient to determine the role of this variant in disease. Therefore, it has been classified as a Variant of Uncertain Significance. Algorithms developed to predict the effect of missense changes on protein structure and function are either unavailable or do not agree on the potential impact of this missense change (SIFT: "Deleterious"; PolyPhen-2: "Benign"; Align-GVGD: "Class C0"). This variant has not been reported in the literature in individuals affected with AKAP9-related conditions. This variant is not present in population databases (gnomAD no frequency). This sequence change replaces lysine, which is basic and polar, with isoleucine, which is neutral and non-polar, at codon 812 of the AKAP9 protein (p.Lys812Ile).

NM_005751.5(AKAP9):c.2435A>T (p.Lys812Ile)

Gene: AKAP9 (A-kinase anchoring protein 9; plus strand). Cytogenetic location: 7q21.2.
Variant type: single nucleotide variant.
Coding change: c.2435A>T on transcript NM_005751.5 (MANE Select); coding-DNA position 2435, A replaced by T.
Protein change: p.Lys812Ile; replaces lysine 812 with isoleucine.
Molecular consequence: missense variant.
Genome position (GRCh38, 1-based): chr7:92,002,352, A>T. VCF-style: chr7-92002352-A-T. GRCh37 (hg19) VCF-style: chr7-91631666-A-T.
Other names: c.2435A>T, p.Lys812Ile (NM_147185.3); short protein forms K812I.
Identifiers: ClinVar variation 1933783 (VCV001933783.6), dbSNP rs2484693597, ClinGen allele CA368124108.